The following is an entry in ClinVar:

NM_000090.4(COL3A1):c.24G>A (p.Gly8=)

Gene: COL3A1 (collagen type III alpha 1 chain; plus strand). Cytogenetic location: 2q32.2.
Variant type: single nucleotide variant.
Coding change: c.24G>A on transcript NM_000090.4 (MANE Select); coding-DNA position 24, G replaced by A.
Protein change: p.Gly8=; no amino-acid change (glycine 8 retained).
Molecular consequence: synonymous variant.
Genome position (GRCh38, 1-based): chr2:188,974,513, G>A. VCF-style: chr2-188974513-G-A. GRCh37 (hg19) VCF-style: chr2-189839239-G-A.
Identifiers: ClinVar variation 1080547 (VCV001080547.33), dbSNP rs754759981, ClinGen allele CA075374.

ClinVar aggregate classification (germline): Likely benign. Review status: criteria provided, multiple submitters, no conflicts (2 of 4 stars). 2 submissions from 2 submitters: Likely benign (2). Last evaluated 2023-10-01.

Conditions:
Ehlers-Danlos syndrome, type 4 (EDSVASC). Also called: Ehlers-Danlos syndrome vascular type; Ehlers Danlos syndrome, ecchymotic type; Ehlers Danlos syndrome, arterial type; Ehlers Danlos syndrome, Sack-Barabas type; Ehlers-Danlos Syndrome Type IV. Identifiers: Orphanet 286, MedGen C0268338, MONDO:0017314, OMIM 130050.

Allele frequency attached by ClinVar (database versions not stated): gnomAD exomes below 0.00001; ExAC 0.00001.
gnomAD v4.1: 2 of 1,613,994 alleles (0.00012%); highest among the groups gnomAD compares: Non-Finnish European, 0.00017%; no homozygotes.

Submissions (2):

CeGaT Center for Human Genetics Tuebingen
Classification: Likely benign. Last evaluated: 2023-10-01. Review status: criteria provided, single submitter. Criteria: CeGaT Center For Human Genetics Tuebingen Variant Classification Criteria Version 2. Collection method: clinical testing. Allele origin: germline. Affected: yes. Observed: 1 variant allele.
Comment: COL3A1: BP4, BP7

Labcorp Genetics (formerly Invitae), Labcorp
Classification: Likely benign for Ehlers-Danlos syndrome, type 4. Last evaluated: 2023-01-24. Review status: criteria provided, single submitter. Criteria: Invitae Variant Classification Sherloc (09022015). Collection method: clinical testing. Allele origin: germline.